The following is an entry in ClinVar:

ClinVar aggregate classification (germline): Likely pathogenic (1 of 4 stars; one submission).

Conditions:
Fanconi anemia complementation group G. Also called: Fanconi anemia group G; FANCG-Related Fanconi Anemia. Identifiers: Orphanet 84, MedGen C3469527, MONDO:0013565, OMIM 614082.

Submission:

3billion
Classification: Likely pathogenic for Fanconi anemia complementation group G. Last evaluated: 2025-10-14. Review status: criteria provided, single submitter. Criteria: ACMG Guidelines, 2015. Collection method: clinical testing. Allele origin: germline. Affected: yes.
Comment: The variant is not observed in the gnomAD v4.1.0 dataset. Predicted Consequence/Location: Stop-gained (nonsense): predicted to result in a loss or disruption of normal protein function through protein truncation. The predicted truncated protein may be shortened by less than 10%. The variant has been reported to be in trans with a pathogenic variant as either compound heterozygous or homozygous in at least one similarly affected unrelated individual (PMID: 31558676). The variant has been reported to be associated with FANCG-related disorder (PMID: 31558676). Therefore, this variant is classified as Likely pathogenic according to the recommendation of ACMG/AMP guideline.

Literature cited by the submitters: PubMed 31558676.

NM_004629.2(FANCG):c.1742C>G (p.Ser581Ter)

Gene: FANCG (FA complementation group G; minus strand). Cytogenetic location: 9p13.3.
Variant type: single nucleotide variant.
Coding change: c.1742C>G on transcript NM_004629.2 (MANE Select); coding-DNA position 1742, C replaced by G.
Protein change: p.Ser581Ter; replaces serine 581 with a stop codon.
Molecular consequence: nonsense.
Genome position (GRCh38, 1-based): chr9:35,074,389, G>C on the plus strand (C>G on the coding strand, the complement: FANCG is on the minus strand). VCF-style: chr9-35074389-G-C. GRCh37 (hg19) VCF-style: chr9-35074386-G-C.
Other names: short protein forms S581*.
Identifiers: ClinVar variation 4855042 (VCV004855042.1).